The following is an entry in ClinVar:

NM_000059.4(BRCA2):c.8343del (p.Asn2781fs)

Gene: BRCA2 (BRCA2 DNA repair associated; plus strand). Cytogenetic location: 13q13.1.
Variant type: Deletion.
Coding change: c.8343del on transcript NM_000059.4 (MANE Select); coding-DNA position 8343, one base deleted (C; older notation c.8343delC).
Protein change: p.Asn2781fs; shifts the reading frame from asparagine 2781.
Molecular consequence: frameshift variant.
Genome position (GRCh38, 1-based): chr13:32,370,413, C deleted. VCF-style (leftmost placement, unchanged base first): chr13-32370412-AC-A. GRCh37 (hg19) VCF-style: chr13-32944549-AC-A.
Other names: 8571delC; c.8343delC (NM_000059.3); short protein forms N2781fs.
Identifiers: ClinVar variation 52557 (VCV000052557.2), dbSNP rs80359708, ClinGen allele CA025591.

ClinVar aggregate classification (germline): Pathogenic. Review status: reviewed by expert panel (3 of 4 stars). 2 submissions from 2 submitters: Pathogenic (1). 1 of the submissions does not count toward it. Last evaluated 2016-09-08.

Conditions:
Breast-ovarian cancer, familial, susceptibility to, 2 (BROVCA2). Also called: BRCA2 Hereditary Breast and Ovarian Cancer. Identifiers: Orphanet 145, MedGen C2675520, MONDO:0012933, OMIM 612555. Disease mechanism: loss of function.

Submissions (2):

Evidence-based Network for the Interpretation of Germline Mutant Alleles (ENIGMA)
Classification: Pathogenic for Breast-ovarian cancer, familial, susceptibility to, 2. Last evaluated: 2016-09-08. Review status: reviewed by expert panel. Criteria: ENIGMA BRCA1/2 Classification Criteria (2015). Collection method: curation. Allele origin: germline.
Comment: Variant allele predicted to encode a truncated non-functional protein.

Breast Cancer Information Core (BIC) (BRCA2)
Classification: Pathogenic for Breast-ovarian cancer, familial 2. Last evaluated: 2003-12-23. Review status: no assertion criteria provided. Collection method: clinical testing. Allele origin: germline. Affected: yes. Observed: 1 variant allele. Not counted in ClinVar's aggregate classification.